The following is an entry in ClinVar:

ClinVar aggregate classification (germline): Uncertain significance. Review status: criteria provided, multiple submitters, no conflicts (2 of 4 stars). 5 submissions from 5 submitters: Uncertain significance (3). 2 of the submissions do not count toward it. Last evaluated 2025-08-19.

Conditions:
Hereditary cancer-predisposing syndrome. Also called: Tumor predisposition; Hereditary neoplastic syndrome; Neoplastic Syndromes, Hereditary; Hereditary Cancer Syndrome. Identifiers: Orphanet 140162, MedGen C0027672, MeSH D009386, MONDO:0015356.
Bloom syndrome (BLM). Also called: Bloom-Torre-Machacek syndrome. Identifiers: Orphanet 125, MedGen C0005859, MONDO:0008876, OMIM 210900.

Allele frequency attached by ClinVar (database versions not stated): TOPMed below 0.00001; gnomAD 0.00001; gnomAD exomes 0.00001; ExAC 0.00002.

Submissions (5):

Quest Diagnostics Nichols Institute San Juan Capistrano
Classification: Uncertain significance. Last evaluated: 2025-08-19. Review status: criteria provided, single submitter. Criteria: Quest Diagnostics criteria. Collection method: clinical testing. Allele origin: unknown.
Comment: The BLM c.3278C>T (p.Ser1093Leu) variant has not been reported in individuals with BLM-related conditions in the published literature. The frequency of this variant in the general population (Genome Aggregation Database) is uninformative in the assessment of its pathogenicity. Analysis of this variant using bioinformatics tools for the prediction of the effect of amino acid changes on protein structure and function yielded conflicting predictions that this variant is benign or damaging. Based on the available information, we are unable to determine the clinical significance of this variant.

Ambry Genetics
Classification: Uncertain significance for Hereditary cancer-predisposing syndrome. Last evaluated: 2025-08-03. Review status: criteria provided, single submitter. Criteria: Ambry Variant Classification Scheme 2023. Collection method: clinical testing. Allele origin: germline.
Comment: The p.S1093L variant (also known as c.3278C>T), located in coding exon 16 of the BLM gene, results from a C to T substitution at nucleotide position 3278. The serine at codon 1093 is replaced by leucine, an amino acid with dissimilar properties. This amino acid position is highly conserved in available vertebrate species. In addition, this alteration is predicted to be tolerated by in silico analysis. Since supporting evidence is limited at this time, the clinical significance of this alteration remains unclear.

Labcorp Genetics (formerly Invitae), Labcorp
Classification: Uncertain significance for Bloom syndrome. Last evaluated: 2025-01-29. Review status: criteria provided, single submitter. Criteria: Invitae Variant Classification Sherloc (09022015). Collection method: clinical testing. Allele origin: germline.
Comment: This sequence change replaces serine, which is neutral and polar, with leucine, which is neutral and non-polar, at codon 1093 of the BLM protein (p.Ser1093Leu). This variant is present in population databases (rs367543017, gnomAD 0.003%). This variant has not been reported in the literature in individuals affected with BLM-related conditions. ClinVar contains an entry for this variant (Variation ID: 133700). Invitae Evidence Modeling of protein sequence and biophysical properties (such as structural, functional, and spatial information, amino acid conservation, physicochemical variation, residue mobility, and thermodynamic stability) indicates that this missense variant is not expected to disrupt BLM protein function with a negative predictive value of 80%. In summary, the available evidence is currently insufficient to determine the role of this variant in disease. Therefore, it has been classified as a Variant of Uncertain Significance.

Natera, Inc.
Classification: Uncertain significance for Bloom syndrome. Last evaluated: 2019-02-21. Review status: no assertion criteria provided. Collection method: clinical testing. Allele origin: germline. Not counted in ClinVar's aggregate classification.

ITMI
No classification provided. Condition: AllHighlyPenetrant. Last evaluated: 2013-09-19. Review status: no classification provided. Collection method: reference population. Allele origin: germline. Not counted in ClinVar's aggregate classification.
Comment: Please see associated publication for description of ethnicities

Literature cited by the submitters: PubMed 24728327 (cited by ITMI).

NM_000057.4(BLM):c.3278C>T (p.Ser1093Leu)

Gene: BLM (BLM RecQ like helicase; plus strand). Cytogenetic location: 15q26.1.
Variant type: single nucleotide variant.
Coding change: c.3278C>T on transcript NM_000057.4 (MANE Select); coding-DNA position 3278, C replaced by T.
Protein change: p.Ser1093Leu; replaces serine 1093 with leucine.
Molecular consequence: missense variant.
Genome position (GRCh38, 1-based): chr15:90,798,257, C>T. VCF-style: chr15-90798257-C-T. GRCh37 (hg19) VCF-style: chr15-91341487-C-T.
Other names: c.3278C>T, p.Ser1093Leu (NM_001287246.2, NM_001287247.2); c.2153C>T, p.Ser718Leu (NM_001287248.2); c.3278C>T (NM_000057.2); short protein forms S1093L, S718L.
Identifiers: ClinVar variation 133700 (VCV000133700.17), dbSNP rs367543017, ClinGen allele CA157391.